The following is an entry in ClinVar:

ClinVar aggregate classification (germline): Uncertain significance (1 of 4 stars; one submission).

Conditions:
Melanoma, cutaneous malignant, susceptibility to, 8. Also called: Cutaneous malignant melanoma 8; MELANOMA AND RENAL CELL CARCINOMA, SUSCEPTIBILITY TO. Identifiers: Orphanet 293822, MedGen C3152204, MONDO:0013759, OMIM 614456.
Tietz syndrome (TADS). Also called: ALBINISM-DEAFNESS OF TIETZ; HYPOPIGMENTATION/DEAFNESS OF TIETZ; TIETZ ALBINISM-DEAFNESS SYNDROME. Identifiers: Orphanet 42665, MedGen C0391816, MONDO:0007077, OMIM 103500.
Waardenburg syndrome type 2A (WS2A). Also called: WAARDENBURG SYNDROME WITHOUT DYSTOPIA CANTHORUM. Identifiers: Orphanet 3440, MedGen C1860339, MONDO:0008671, OMIM 193510.

Submission:

Labcorp Genetics (formerly Invitae), Labcorp
Classification: Uncertain significance for Melanoma, cutaneous malignant, susceptibility to, 8; Waardenburg syndrome type 2A; Tietz syndrome. Last evaluated: 2023-07-25. Review status: criteria provided, single submitter. Criteria: Invitae Variant Classification Sherloc (09022015). Collection method: clinical testing. Allele origin: germline.
Comment: This sequence change falls in intron 5 of the MITF gene. It does not directly change the encoded amino acid sequence of the MITF protein. It affects a nucleotide within the consensus splice site. This variant is not present in population databases (gnomAD no frequency). This variant has not been reported in the literature in individuals affected with MITF-related conditions. Variants that disrupt the consensus splice site are a relatively common cause of aberrant splicing (PMID: 17576681, 9536098). Algorithms developed to predict the effect of sequence changes on RNA splicing suggest that this variant is not likely to affect RNA splicing. In summary, the available evidence is currently insufficient to determine the role of this variant in disease. Therefore, it has been classified as a Variant of Uncertain Significance.

Literature cited by the submitters: PubMed 17576681; PubMed 9536098.

NM_001354604.2(MITF):c.880+6C>G

Gene: MITF (melanocyte inducing transcription factor; plus strand). Cytogenetic location: 3p13.
Variant type: single nucleotide variant.
Coding change: c.880+6C>G on transcript NM_001354604.2 (MANE Select); 6 bases into the intron after coding-DNA position 880, C replaced by G.
Molecular consequence: intron variant.
Genome position (GRCh38, 1-based): chr3:69,949,174, C>G. VCF-style: chr3-69949174-C-G. GRCh37 (hg19) VCF-style: chr3-69998325-C-G.
Other names: c.829+6C>G (NM_001354607.2); c.724+6C>G (NM_001354608.2, NM_001184967.2); c.880+6C>G (NM_198159.3); c.877+6C>G (NM_001354605.2, NM_001354606.2, NM_006722.3); c.832+6C>G (NM_198177.3); c.559+6C>G (NM_000248.4, NM_198158.3); c.391+6C>G (NM_198178.3).
Identifiers: ClinVar variation 2942914 (VCV002942914.3), dbSNP rs2066178332, ClinGen allele CA2740094493.